The following is an entry in ClinVar:

NM_001845.6(COL4A1):c.2681G>A (p.Gly894Glu)

Gene: COL4A1 (collagen type IV alpha 1 chain; minus strand). Cytogenetic location: 13q34.
Variant type: single nucleotide variant.
Coding change: c.2681G>A on transcript NM_001845.6 (MANE Select); coding-DNA position 2681, G replaced by A.
Protein change: p.Gly894Glu; replaces glycine 894 with glutamic acid.
Molecular consequence: missense variant.
Genome position (GRCh38, 1-based): chr13:110,177,877, C>T on the plus strand (G>A on the coding strand, the complement: COL4A1 is on the minus strand). VCF-style: chr13-110177877-C-T. GRCh37 (hg19) VCF-style: chr13-110830224-C-T.
Other names: short protein forms G894E.
Identifiers: ClinVar variation 2023483 (VCV002023483.4), dbSNP rs2501779504, ClinGen allele CA388667480.
Genomic context (GRCh38, chr13:110,177,877, plus strand): 5'-CTTCTAGGGTTATCAGCTCCCCTACCTTTTTCACCCGGTAATCCAGGAGCACCCACTGGT[C>T]CTGGTGAGCCCGGCTGCCCGGGGGTCCCCATGACGCCCATTTCTCCCTTGGAACCTGTGG-3'
Protein context (NP_001836.3, residues 884-904): MGTPGQPGSP[Gly894Glu]PVGAPGLPGE

ClinVar aggregate classification (germline): Pathogenic (1 of 4 stars; one submission).

Submission:

Labcorp Genetics (formerly Invitae), Labcorp
Classification: Pathogenic. Last evaluated: 2023-09-11. Review status: criteria provided, single submitter. Criteria: Invitae Variant Classification Sherloc (09022015). Collection method: clinical testing. Allele origin: germline.
Comment: For these reasons, this variant has been classified as Pathogenic. This variant disrupts the triple helix domain of COL4A1. Glycine residues within the Gly-Xaa-Yaa repeats of the triple helix domain are required for the structure and stability of fibrillar collagens (PMID: 7695699, 8218237, 19344236). In COL4A1 variants affecting these glycine residues are significantly enriched in individuals with disease (PMID: 9016532, 17078022) compared to the general population (ExAC). An algorithm developed to predict the effect of missense changes on protein structure and function (PolyPhen-2) suggests that this variant is likely to be disruptive. ClinVar contains an entry for this variant (Variation ID: 2023483). This missense change has been observed in individual(s) with clinical features of COL4A1-related conditions (Invitae). In at least one individual the variant was observed to be de novo. This variant is not present in population databases (gnomAD no frequency). This sequence change replaces glycine, which is neutral and non-polar, with glutamic acid, which is acidic and polar, at codon 894 of the COL4A1 protein (p.Gly894Glu).

Literature cited by the submitters: PubMed 7695699; PubMed 8218237; PubMed 19344236; PubMed 9016532; PubMed 17078022.